The following is an entry in ClinVar:

NM_001142864.4(PIEZO1):c.1263C>T (p.Asp421=)

Genes: HSALR1 (HSP90AB1 associated lncRNA 1; plus strand), PIEZO1 (piezo type mechanosensitive ion channel component 1 (Er blood group); minus strand). Cytogenetic location: 16q24.3.
Variant type: single nucleotide variant.
Coding change: c.1263C>T on transcript NM_001142864.4 (MANE Select); coding-DNA position 1263, C replaced by T.
Protein change: p.Asp421=; no amino-acid change (aspartic acid 421 retained).
Molecular consequence: synonymous variant.
Genome position (GRCh38, 1-based): chr16:88,736,672, G>A on the plus strand (C>T on the coding strand, the complement: PIEZO1 is on the minus strand). VCF-style: chr16-88736672-G-A. GRCh37 (hg19) VCF-style: chr16-88803080-G-A.
Identifiers: ClinVar variation 3355980 (VCV003355980.1).

ClinVar aggregate classification (germline): Likely benign (0 of 4 stars; one submission).

Conditions:
PIEZO1-related disorder. Also called: PIEZO1-related condition; PIEZO1-Related Disorders.

gnomAD v4.1: 11 of 1,533,208 alleles (0.00072%); highest among the groups gnomAD compares: South Asian, 0.0048%; no homozygotes.

Submission:

PreventionGenetics, part of Exact Sciences
Classification: Likely benign for PIEZO1-related condition. Last evaluated: 2024-09-06. Review status: no assertion criteria provided. Collection method: clinical testing. Allele origin: germline.
Comment: This variant is classified as likely benign based on ACMG/AMP sequence variant interpretation guidelines (Richards et al. 2015 PMID: 25741868, with internal and published modifications).